The following is an entry in ClinVar:

ClinVar aggregate classification (germline): Likely benign (1 of 4 stars; one submission).

Submission:

Women's Health and Genetics/Laboratory Corporation of America, LabCorp
Classification: Likely benign. Last evaluated: 2025-07-23. Review status: criteria provided, single submitter. Criteria: LabCorp Variant Classification Summary - May 2015. Collection method: clinical testing. Allele origin: germline.
Comment: Variant summary: HAVCR2 c.479-14_479-9dupCTCTCT alters a nucleotide located at a position not widely known to affect splicing. Consensus agreement among computation tools predict no significant impact on normal splicing. However, these predictions have yet to be confirmed by functional studies. The frequency data for this variant in gnomAD is considered unreliable, as metrics indicate poor data quality at this position. To our knowledge, no occurrence of c.479-14_479-9dupCTCTCT in individuals affected with Subcutaneous panniculitis-like T-cell lymphoma and no experimental evidence demonstrating its impact on protein function have been reported. No submitters have cited clinical-significance assessments for this variant to ClinVar. Based on the evidence outlined above, the variant was classified as likely benign.

NM_032782.5(HAVCR2):c.479-30CT[14]

Gene: HAVCR2 (hepatitis A virus cellular receptor 2; minus strand). Cytogenetic location: 5q33.3.
Variant type: Microsatellite.
Coding change: c.479-30CT[14] on transcript NM_032782.5 (MANE Select); 14 copies in a row of the 2-base unit CT starting at c.479-30; the reference has 11 copies in a row; three copies, 6 bases duplicated.
Molecular consequence: intron variant.
Genome position (GRCh38, 1-based): chr5:157,098,910-157,098,915, AGAGAG duplicated on the plus strand (CTCTCT on the coding strand, the reverse complement: HAVCR2 is on the minus strand); duplicating any 6 consecutive bases within chr5:157,098,910-157,098,931 gives the same sequence; the position shown is the placement nearest the transcript's 3' end. VCF-style (leftmost placement, unchanged base first): chr5-157098909-A-AAGAGAG. GRCh37 (hg19) VCF-style: chr5-156525920-A-AAGAGAG.
Other names: c.479-14_479-9dupCTCTCT (NM_032782.5).
Identifiers: ClinVar variation 4526254 (VCV004526254.1).